The following is an entry in ClinVar:

NM_000824.5(GLRB):c.567G>C (p.Leu189Phe)

Gene: GLRB (glycine receptor beta; plus strand). Cytogenetic location: 4q32.1.
Variant type: single nucleotide variant.
Coding change: c.567G>C on transcript NM_000824.5 (MANE Select); coding-DNA position 567, G replaced by C.
Protein change: p.Leu189Phe; replaces leucine 189 with phenylalanine.
Molecular consequence: missense variant.
Genome position (GRCh38, 1-based): chr4:157,136,843, G>C. VCF-style: chr4-157136843-G-C. GRCh37 (hg19) VCF-style: chr4-158057995-G-C.
Other names: c.567G>C, p.Leu189Phe (NM_001166060.2, NM_001166061.2); short protein forms L189F.
Identifiers: ClinVar variation 1436778 (VCV001436778.6), dbSNP rs752345500, ClinGen allele CA358642880.

ClinVar aggregate classification (germline): Uncertain significance (1 of 4 stars; one submission).

Conditions:
Hyperekplexia 2 (HKPX2). Identifiers: Orphanet 3197, MedGen C3553291, MONDO:0013828, OMIM 614619.

Submission:

Labcorp Genetics (formerly Invitae), Labcorp
Classification: Uncertain significance for Hyperekplexia 2. Last evaluated: 2021-09-04. Review status: criteria provided, single submitter. Criteria: Invitae Variant Classification Sherloc (09022015). Collection method: clinical testing. Allele origin: germline.
Comment: Advanced modeling of protein sequence and biophysical properties (such as structural, functional, and spatial information, amino acid conservation, physicochemical variation, residue mobility, and thermodynamic stability) performed at Invitae indicates that this missense variant is not expected to disrupt GLRB protein function. In summary, the available evidence is currently insufficient to determine the role of this variant in disease. Therefore, it has been classified as a Variant of Uncertain Significance. This variant has not been reported in the literature in individuals affected with GLRB-related conditions. This variant is not present in population databases (ExAC no frequency). This sequence change replaces leucine with phenylalanine at codon 189 of the GLRB protein (p.Leu189Phe). The leucine residue is highly conserved and there is a small physicochemical difference between leucine and phenylalanine.